The following is an entry in ClinVar:

ClinVar aggregate classification (germline): Conflicting classifications of pathogenicity. Review status: criteria provided, conflicting classifications (1 of 4 stars). 4 submissions from 4 submitters: Uncertain significance (1); Likely benign (2). 1 of the submissions does not count toward it. Last evaluated 2026-08-01.

Conditions:
PIEZO1-related disorder. Also called: PIEZO1-related condition; PIEZO1-Related Disorders.

gnomAD v4.1: 99 of 1,549,528 alleles (0.0064%); highest among the groups gnomAD compares: East Asian, 0.046%; no homozygotes.

Submissions (4):

CeGaT Center for Human Genetics Tuebingen
Classification: Uncertain significance. Last evaluated: 2026-08-01. Review status: criteria provided, single submitter. Criteria: CeGaT Center For Human Genetics Tuebingen Variant Classification Criteria Version 2. Collection method: clinical testing. Allele origin: germline. Affected: yes. Observed: 1 variant allele.
Comment: PIEZO1: PM2, BP4

Women's Health and Genetics/Laboratory Corporation of America, LabCorp
Classification: Likely benign. Last evaluated: 2026-03-10. Review status: criteria provided, single submitter. Criteria: LabCorp Variant Classification Summary - May 2015. Collection method: clinical testing. Allele origin: germline.
Comment: Variant summary: PIEZO1 c.5802-5C>T alters a non-conserved nucleotide located at a position not widely known to affect splicing. Consensus agreement among computation tools predict no significant impact on normal splicing. However, these predictions have yet to be confirmed by functional studies. The variant allele was found at a frequency of 9.1e-05 in 153192 control chromosomes. This frequency is not significantly higher than estimated for disease-causing variants in PIEZO1, allowing no conclusion about variant significance. To our knowledge, no occurrence of c.5802-5C>T in individuals affected with PIEZO1-related conditions and no experimental evidence demonstrating its impact on protein function have been reported. ClinVar contains an entry for this variant (Variation ID: 3356790). Based on the evidence outlined above, the variant was classified as likely benign.

Labcorp Genetics (formerly Invitae), Labcorp
Classification: Likely benign. Last evaluated: 2024-05-23. Review status: criteria provided, single submitter. Criteria: Invitae Variant Classification Sherloc (09022015). Collection method: clinical testing. Allele origin: germline.

PreventionGenetics, part of Exact Sciences
Classification: Likely benign for PIEZO1-related condition. Last evaluated: 2024-04-01. Review status: no assertion criteria provided. Collection method: clinical testing. Allele origin: germline. Not counted in ClinVar's aggregate classification.
Comment: This variant is classified as likely benign based on ACMG/AMP sequence variant interpretation guidelines (Richards et al. 2015 PMID: 25741868, with internal and published modifications).

NM_001142864.4(PIEZO1):c.5802-5C>T

Gene: PIEZO1 (piezo type mechanosensitive ion channel component 1 (Er blood group); minus strand). Cytogenetic location: 16q24.3.
Variant type: single nucleotide variant.
Coding change: c.5802-5C>T on transcript NM_001142864.4 (MANE Select); 5 bases into the intron before coding-DNA position 5802, C replaced by T.
Molecular consequence: intron variant.
Genome position (GRCh38, 1-based): chr16:88,720,537, G>A on the plus strand (C>T on the coding strand, the complement: PIEZO1 is on the minus strand). VCF-style: chr16-88720537-G-A. GRCh37 (hg19) VCF-style: chr16-88786945-G-A.
Identifiers: ClinVar variation 3356790 (VCV003356790.5).